The following is an entry in ClinVar:

ClinVar aggregate classification (germline): Uncertain significance. Review status: criteria provided, multiple submitters, no conflicts (2 of 4 stars). 3 submissions from 3 submitters: Uncertain significance (3). Last evaluated 2024-11-01.

Conditions:
Hereditary cancer-predisposing syndrome. Also called: Hereditary neoplastic syndrome; Neoplastic Syndromes, Hereditary; Tumor predisposition; Hereditary Cancer Syndrome. Identifiers: Orphanet 140162, MedGen C0027672, MeSH D009386, MONDO:0015356.
Hereditary diffuse gastric adenocarcinoma (HDGC). Also called: DIFFUSE GASTRIC AND LOBULAR BREAST CANCER SYNDROME. Identifiers: Orphanet 26106, MedGen C1708349, MONDO:0007648, OMIM 137215.

Allele frequency attached by ClinVar (database versions not stated): gnomAD exomes below 0.00001; ExAC 0.00001.
gnomAD v4.1: 4 of 1,613,974 alleles (0.00025%); highest among the groups gnomAD compares: South Asian, 0.0044%; no homozygotes.

Submissions (3):

Ambry Genetics
Classification: Uncertain significance for Hereditary cancer-predisposing syndrome. Last evaluated: 2024-11-01. Review status: criteria provided, single submitter. Criteria: Ambry Variant Classification Scheme 2023. Collection method: clinical testing. Allele origin: germline.
Comment: The p.N803D variant (also known as c.2407A>G), located in coding exon 15 of the CDH1 gene, results from an A to G substitution at nucleotide position 2407. The asparagine at codon 803 is replaced by aspartic acid, an amino acid with highly similar properties. This amino acid position is highly conserved in available vertebrate species. In addition, this alteration is predicted to be tolerated by in silico analysis. Based on the available evidence, the clinical significance of this variant remains unclear.

Color Diagnostics, LLC DBA Color Health
Classification: Uncertain significance for Hereditary cancer-predisposing syndrome. Last evaluated: 2023-12-05. Review status: criteria provided, single submitter. Criteria: ACMG Guidelines, 2015. Collection method: clinical testing. Allele origin: germline.
Comment: This missense variant replaces asparagine with aspartic acid at codon 803 of the CDH1 protein. To our knowledge, functional studies have not been reported for this variant. This variant has not been reported in individuals affected with hereditary cancer in the literature. This variant has been identified in 1/251374 chromosomes in the general population by the Genome Aggregation Database (gnomAD). The available evidence is insufficient to determine the role of this variant in disease conclusively. Therefore, this variant is classified as a Variant of Uncertain Significance.

Labcorp Genetics (formerly Invitae), Labcorp
Classification: Uncertain significance for Hereditary diffuse gastric adenocarcinoma. Last evaluated: 2022-10-07. Review status: criteria provided, single submitter. Criteria: Invitae Variant Classification Sherloc (09022015). Collection method: clinical testing. Allele origin: germline.
Comment: In summary, the available evidence is currently insufficient to determine the role of this variant in disease. Therefore, it has been classified as a Variant of Uncertain Significance. Algorithms developed to predict the effect of missense changes on protein structure and function are either unavailable or do not agree on the potential impact of this missense change (SIFT: "Deleterious"; PolyPhen-2: "Probably Damaging"; Align-GVGD: "Class C0"). ClinVar contains an entry for this variant (Variation ID: 483221). This variant has not been reported in the literature in individuals affected with CDH1-related conditions. This variant is present in population databases (rs780510260, gnomAD 0.003%). This sequence change replaces asparagine, which is neutral and polar, with aspartic acid, which is acidic and polar, at codon 803 of the CDH1 protein (p.Asn803Asp).

NM_004360.5(CDH1):c.2407A>G (p.Asn803Asp)

Gene: CDH1 (cadherin 1; plus strand). Cytogenetic location: 16q22.1.
Variant type: single nucleotide variant.
Coding change: c.2407A>G on transcript NM_004360.5 (MANE Select); coding-DNA position 2407, A replaced by G.
Protein change: p.Asn803Asp; replaces asparagine 803 with aspartic acid.
Molecular consequence: missense variant.
Genome position (GRCh38, 1-based): chr16:68,829,765, A>G. VCF-style: chr16-68829765-A-G. GRCh37 (hg19) VCF-style: chr16-68863668-A-G.
Other names: c.2407A>G (LRG_301t1); c.2224A>G, p.Asn742Asp (NM_001317184.2); c.859A>G, p.Asn287Asp (NM_001317185.2); c.442A>G, p.Asn148Asp (NM_001317186.2); short protein forms N803D, N287D, N742D, N148D.
Identifiers: ClinVar variation 483221 (VCV000483221.19), dbSNP rs780510260, ClinGen allele CA8130270.